The following is an entry in ClinVar:

NM_000494.4(COL17A1):c.2755G>A (p.Asp919Asn)

Gene: COL17A1 (collagen type XVII alpha 1 chain; minus strand). Cytogenetic location: 10q25.1.
Variant type: single nucleotide variant.
Coding change: c.2755G>A on transcript NM_000494.4 (MANE Select); coding-DNA position 2755, G replaced by A.
Protein change: p.Asp919Asn; replaces aspartic acid 919 with asparagine.
Molecular consequence: missense variant.
Genome position (GRCh38, 1-based): chr10:104,040,357, C>T on the plus strand (G>A on the coding strand, the complement: COL17A1 is on the minus strand). VCF-style: chr10-104040357-C-T. GRCh37 (hg19) VCF-style: chr10-105800115-C-T.
Other names: c.2755G>A, p.Asp919Asn (LRG_1249t1); short protein forms D919N.
Identifiers: ClinVar variation 298705 (VCV000298705.16), dbSNP rs117564807, ClinGen allele CA5678286.
Genomic context (GRCh38, chr10:104,040,357, plus strand): 5'-AGGTAAACAGAGGACACATACTGGCTTCTGGGTTCCCTGATACACTGTTCTCACCTTGGT[C>T]TCCCTTGGGACCTGGGGGGCCAGGTGGGCCTGGGGGGCCGGAGAGGAAGGTTTCTGCAGA-3'
Protein context (NP_000485.3, residues 909-929): GPPGPPGPKG[Asp919Asn]QGPPGPRGHQ

ClinVar aggregate classification (germline): Benign/Likely benign. Review status: criteria provided, multiple submitters, no conflicts (2 of 4 stars). 5 submissions from 5 submitters: Benign (3); Likely benign (1). 1 of the submissions does not count toward it. Last evaluated 2026-01-19.

Conditions:
COL17A1-related disorder. Also called: COL17A1-related condition.
Junctional epidermolysis bullosa, non-Herlitz type. Also called: EPIDERMOLYSIS BULLOSA JUNCTIONALIS, DISENTIS TYPE; EPIDERMOLYSIS BULLOSA JUNCTIONALIS, NON-HERLITZ TYPE; EPIDERMOLYSIS BULLOSA JUNCTIONALIS, PROGRESSIVE; EPIDERMOLYSIS BULLOSA JUNCTIONALIS, SEVERE NONLETHAL; COL17A1-Related Junctional Epidermolysis Bullosa; Epidermolysis bullosa, junctional, non-herlitz type, somatic mosaic revertant. Identifiers: Orphanet 251393, Orphanet 79402, Orphanet 79405, Orphanet 89840, MedGen C0268374, MONDO:0009180, OMIM 226650.

Allele frequency attached by ClinVar (database versions not stated): ESP Exome Variant Server 0.00069; 1000 Genomes Project 30x 0.00187; ExAC 0.00190; gnomAD exomes 0.00191; gnomAD 0.00194; 1000 Genomes Project 0.00220; TOPMed 0.00230.
gnomAD v4.1: 1,811 of 1,607,220 alleles (0.11%); highest among the groups gnomAD compares: East Asian, 1.5%; 10 homozygotes.

Submissions (5):

Labcorp Genetics (formerly Invitae), Labcorp
Classification: Benign. Last evaluated: 2026-01-19. Review status: criteria provided, single submitter. Criteria: Invitae Variant Classification Sherloc (09022015). Collection method: clinical testing. Allele origin: germline.

Blueprint Genetics
Classification: Likely benign. Last evaluated: 2024-10-30. Review status: criteria provided, single submitter. Criteria: ACMG Guidelines, 2015. Collection method: clinical testing. Allele origin: germline.

Illumina Laboratory Services, Illumina
Classification: Benign for Junctional epidermolysis bullosa, non-Herlitz type. Last evaluated: 2018-01-12. Review status: criteria provided, single submitter. Criteria: ICSL Variant Classification Criteria 13 December 2019. Collection method: clinical testing. Allele origin: germline.
Comment: This variant was observed in the ICSL laboratory as part of a predisposition screen in an ostensibly healthy population. It had not been previously curated by ICSL or reported in the Human Gene Mutation Database (HGMD: prior to June 1st, 2018), and was therefore a candidate for classification through an automated scoring system. Utilizing variant allele frequency, disease prevalence and penetrance estimates, and inheritance mode, an automated score was calculated to assess if this variant is too frequent to cause the disease. Based on the score and internal cut-off values, a variant classified as benign is not then subjected to further curation. The score for this variant resulted in a classification of benign for this disease.

Breakthrough Genomics
Classification: Benign. Review status: criteria provided, single submitter. Criteria: ACMG Guidelines, 2015. Collection method: not provided. Allele origin: germline. Inheritance: Autosomal recessive inheritance. Affected: yes.

PreventionGenetics, part of Exact Sciences
Classification: Likely benign for COL17A1-related condition. Last evaluated: 2024-04-08. Review status: no assertion criteria provided. Collection method: clinical testing. Allele origin: germline. Not counted in ClinVar's aggregate classification.
Comment: This variant is classified as likely benign based on ACMG/AMP sequence variant interpretation guidelines (Richards et al. 2015 PMID: 25741868, with internal and published modifications).